The following is an entry in ClinVar:

ClinVar aggregate classification (germline): Uncertain significance. Review status: criteria provided, multiple submitters, no conflicts (2 of 4 stars). 2 submissions from 2 submitters: Uncertain significance (2). Last evaluated 2024-09-08.

Conditions:
Inborn genetic diseases. Identifiers: MedGen C0950123, MeSH D030342.

gnomAD v4.1: 1 of 1,613,868 alleles (0.000062%); highest among the groups gnomAD compares: Non-Finnish European, 0.000085%; no homozygotes.

Submissions (2):

Ambry Genetics
Classification: Uncertain significance for Inborn genetic diseases. Last evaluated: 2024-09-08. Review status: criteria provided, single submitter. Criteria: Ambry Variant Classification Scheme 2023. Collection method: clinical testing. Allele origin: germline.

Mayo Clinic Laboratories, Mayo Clinic
Classification: Uncertain significance. Last evaluated: 2024-05-07. Review status: criteria provided, single submitter. Criteria: ACMG Guidelines, 2015. Collection method: clinical testing. Allele origin: germline. Observed: 1 variant allele.
Comment: BP4, PM2

NM_000153.4(GALC):c.772C>T (p.His258Tyr)

Gene: GALC (galactosylceramidase; minus strand). Cytogenetic location: 14q31.3.
Variant type: single nucleotide variant.
Coding change: c.772C>T on transcript NM_000153.4 (MANE Select); coding-DNA position 772, C replaced by T.
Protein change: p.His258Tyr; replaces histidine 258 with tyrosine.
Molecular consequence: missense variant. On other transcripts: non-coding transcript variant (1).
Genome position (GRCh38, 1-based): chr14:87,968,471, G>A on the plus strand (C>T on the coding strand, the complement: GALC is on the minus strand). VCF-style: chr14-87968471-G-A. GRCh37 (hg19) VCF-style: chr14-88434815-G-A.
Other names: p.His258Tyr; c.703C>T, p.His235Tyr (NM_001201401.2); c.694C>T, p.His232Tyr (NM_001201402.2); c.604C>T, p.His202Tyr (NM_001424071.1, NM_001424072.1, NM_001424073.1); c.424C>T, p.His142Tyr (NM_001424074.1, NM_001424075.1); c.139C>T, p.His47Tyr (NM_001424076.1, NM_001424077.1); c.772C>T (NM_000153.3); short protein forms H142Y, H202Y, H232Y, H235Y, H258Y, H47Y.
Identifiers: ClinVar variation 3380226 (VCV003380226.2).
Genomic context (GRCh38, chr14:87,968,471, plus strand): 5'-TGCTAAAGTCTTCAGAAGACCAAAGCTTCTTCCCAGTCAACTTTGCATCTTTTGCTGAAT[G>A]GGTTCCAGGATAATGAGCCCTAGAAAAAAAAAGGGTGGAAGTCAATGAAAAAAGGTCACG-3'
Protein context (NP_000144.2, residues 248-268): DVIGAHYPGT[His258Tyr]SAKDAKLTGK